The following is an entry in ClinVar:

ClinVar aggregate classification (germline): Uncertain significance (1 of 4 stars; one submission).

Conditions:
KMT5B-related disorder. Also called: KMT5B-related condition.

Allele frequency attached by ClinVar (database versions not stated): TOPMed below 0.00001; ExAC 0.00001; gnomAD 0.00001.
gnomAD v4.1: 4 of 1,613,938 alleles (0.00025%); highest among the groups gnomAD compares: Non-Finnish European, 0.00034%; no homozygotes.

Submission:

PreventionGenetics, part of Exact Sciences
Classification: Uncertain significance for KMT5B-related condition. Last evaluated: 2025-07-25. Review status: criteria provided, single submitter. Criteria: ACMG Guidelines, 2015. Collection method: clinical testing. Allele origin: germline.
Comment: The KMT5B c.1774C>T variant is predicted to result in the amino acid substitution p.His592Tyr. To our knowledge, this variant has not been reported in the literature. This variant is reported in 0.0018% of alleles in individuals of European (non-Finnish) descent in gnomAD. At this time, the clinical significance of this variant is uncertain due to the absence of conclusive functional and genetic evidence.

NM_017635.5(KMT5B):c.1774C>T (p.His592Tyr)

Gene: KMT5B (lysine methyltransferase 5B; minus strand). Cytogenetic location: 11q13.2.
Variant type: single nucleotide variant.
Coding change: c.1774C>T on transcript NM_017635.5 (MANE Select); coding-DNA position 1774, C replaced by T.
Protein change: p.His592Tyr; replaces histidine 592 with tyrosine.
Molecular consequence: missense variant.
Genome position (GRCh38, 1-based): chr11:68,158,572, G>A on the plus strand (C>T on the coding strand, the complement: KMT5B is on the minus strand). VCF-style: chr11-68158572-G-A. GRCh37 (hg19) VCF-style: chr11-67926039-G-A.
Other names: c.1258C>T, p.His420Tyr (NM_001300907.1, NM_001369428.1, NM_001369429.1 and 4 more transcripts); c.1054C>T, p.His352Tyr (NM_001300908.2); c.1774C>T, p.His592Tyr (NM_001369426.1); short protein forms H352Y, H420Y, H592Y.
Identifiers: ClinVar variation 2630141 (VCV002630141.2), dbSNP rs756078170, ClinGen allele CA6148119.
Genomic context (GRCh38, chr11:68,158,572, plus strand): 5'-TTTTGGACATGCCTGTGTCACTCTTATGACACTTTGCCTCCCCTTTTTGTGCAGTCTCAT[G>A]AGCCAGTTCTTCCTCCTGCAGCACAGGAGCTGGCTGCAGCTGTTCACCACTGTCGGGGCA-3'
Protein context (NP_060105.3, residues 582-602): APVLQEEELA[His592Tyr]ETAQKGEAKC